The following is an entry in ClinVar:

ClinVar aggregate classification (germline): Uncertain significance (1 of 4 stars; one submission).

Conditions:
Long QT syndrome (LQTS). Identifiers: MedGen C0023976, MeSH D008133, MONDO:0002442. Disease mechanism: loss of function. Inheritance: Various modes of inheritance.

Submission:

Labcorp Genetics (formerly Invitae), Labcorp
Classification: Uncertain significance for Long QT syndrome. Last evaluated: 2022-06-18. Review status: criteria provided, single submitter. Criteria: Invitae Variant Classification Sherloc (09022015). Collection method: clinical testing. Allele origin: germline.
Comment: In summary, the available evidence is currently insufficient to determine the role of this variant in disease. Therefore, it has been classified as a Variant of Uncertain Significance. Algorithms developed to predict the effect of sequence changes on RNA splicing suggest that this variant may disrupt the consensus splice site. Algorithms developed to predict the effect of missense changes on protein structure and function are either unavailable or do not agree on the potential impact of this missense change (SIFT: "Tolerated"; PolyPhen-2: "Probably Damaging"; Align-GVGD: "Class C0"). This variant has not been reported in the literature in individuals affected with CACNA1C-related conditions. This variant is not present in population databases (gnomAD no frequency). This sequence change replaces glutamic acid, which is acidic and polar, with aspartic acid, which is acidic and polar, at codon 1302 of the CACNA1C protein (p.Glu1302Asp).

NM_000719.7(CACNA1C):c.3906G>C (p.Glu1302Asp)

Gene: CACNA1C (calcium voltage-gated channel subunit alpha1 C; plus strand). Cytogenetic location: 12p13.33.
Variant type: single nucleotide variant.
Coding change: c.3906G>C on transcript NM_000719.7 (MANE Select); coding-DNA position 3906, G replaced by C.
Protein change: p.Glu1302Asp; replaces glutamic acid 1302 with aspartic acid.
Molecular consequence: missense variant. On other transcripts: intron variant (6).
Genome position (GRCh38, 1-based): chr12:2,634,374, G>C. VCF-style: chr12-2634374-G-C. GRCh37 (hg19) VCF-style: chr12-2743540-G-C.
Other names: c.4050G>C, p.Glu1350Asp (NM_001129827.2, NM_199460.4); c.3906G>C, p.Glu1302Asp (NM_001129829.2, NM_001129830.3, NM_001129834.2 and 8 more transcripts); c.3990G>C, p.Glu1330Asp (NM_001129831.2, NM_001129836.2); c.3966G>C, p.Glu1322Asp (NM_001129832.2); c.3912+662G>C (NM_001167624.3, NM_001167623.2, NM_001129833.2 and 2 more transcripts); c.3903+662G>C (NM_001129844.2); short protein forms E1350D, E1322D, E1302D, E1330D.
Identifiers: ClinVar variation 2007262 (VCV002007262.4), dbSNP rs2524416967, ClinGen allele CA383380298.
Genomic context (GRCh38, chr12:2,634,374, plus strand): 5'-ATGGAATACATTTGACGCCTTGATTGTTGTGGGTAGCATTGTTGATATAGCAATCACCGA[G>C]GTAAACGTAAGTACATGGCGTCTGTCCCTAACCGTCCGTGCCTGCTCTAACACTCATTTG-3'
Protein context (NP_000710.5, residues 1292-1312): VGSIVDIAIT[Glu1302Asp]VNPAEHTQCS